The following is an entry in ClinVar:

ClinVar aggregate classification (germline): Uncertain significance (1 of 4 stars; one submission).

Conditions:
Alagille syndrome due to a JAG1 point mutation. Also called: HEPATIC DUCTULAR HYPOPLASIA, SYNDROMATIC; JAG1-Related Alagille Syndrome; Alagille Syndrome 1. Identifiers: Orphanet 261619, Orphanet 52, MedGen C1956125, MONDO:0016862, OMIM 118450.

Submission:

Labcorp Genetics (formerly Invitae), Labcorp
Classification: Uncertain significance for Alagille syndrome due to a JAG1 point mutation. Last evaluated: 2025-03-17. Review status: criteria provided, single submitter. Criteria: Invitae Variant Classification Sherloc (09022015). Collection method: clinical testing. Allele origin: germline.
Comment: This sequence change replaces cysteine, which is neutral and slightly polar, with arginine, which is basic and polar, at codon 714 of the JAG1 protein (p.Cys714Arg). This variant is not present in population databases (gnomAD no frequency). This variant has not been reported in the literature in individuals affected with JAG1-related conditions. ClinVar contains an entry for this variant (Variation ID: 2864116). Invitae Evidence Modeling of protein sequence and biophysical properties (such as structural, functional, and spatial information, amino acid conservation, physicochemical variation, residue mobility, and thermodynamic stability) indicates that this missense variant is expected to disrupt JAG1 protein function with a positive predictive value of 95%. In summary, the available evidence is currently insufficient to determine the role of this variant in disease. Therefore, it has been classified as a Variant of Uncertain Significance.

NM_000214.3(JAG1):c.2140T>C (p.Cys714Arg)

Gene: JAG1 (jagged canonical Notch ligand 1; minus strand). Cytogenetic location: 20p12.2.
Variant type: single nucleotide variant.
Coding change: c.2140T>C on transcript NM_000214.3 (MANE Select); coding-DNA position 2140, T replaced by C.
Protein change: p.Cys714Arg; replaces cysteine 714 with arginine.
Molecular consequence: missense variant.
Genome position (GRCh38, 1-based): chr20:10,645,230, A>G on the plus strand (T>C on the coding strand, the complement: JAG1 is on the minus strand). VCF-style: chr20-10645230-A-G. GRCh37 (hg19) VCF-style: chr20-10625878-A-G.
Other names: short protein forms C714R.
Identifiers: ClinVar variation 2864116 (VCV002864116.3), dbSNP rs2514513364, ClinGen allele CA408235301.